The following is an entry in ClinVar:

ClinVar aggregate classification (germline): Likely benign. Review status: criteria provided, multiple submitters, no conflicts (2 of 4 stars). 2 submissions from 2 submitters: Likely benign (2). Last evaluated 2026-04-14.

Conditions:
YARS1-related disorder. Also called: YARS1-related condition.
Charcot-Marie-Tooth disease dominant intermediate C (CMTDIC). Also called: CHARCOT-MARIE-TOOTH NEUROPATHY, DOMINANT INTERMEDIATE C. Identifiers: Orphanet 100045, MedGen C1842237, MONDO:0012012, OMIM 608323.

Allele frequency attached by ClinVar (database versions not stated): gnomAD exomes below 0.00001 and 0.00001; ExAC 0.00003; TOPMed 0.00004; gnomAD 0.00005; ESP Exome Variant Server 0.00023.
gnomAD v4.1: 10 of 1,613,876 alleles (0.00062%); highest among the groups gnomAD compares: African/African-American, 0.013%; no homozygotes.

Submissions (2):

PreventionGenetics, part of Exact Sciences
Classification: Likely benign for YARS1-related condition. Last evaluated: 2026-04-14. Review status: criteria provided, single submitter. Criteria: ACMG Guidelines, 2015. Collection method: clinical testing. Allele origin: germline.
Comment: This variant is classified as likely benign based on ACMG/AMP sequence variant interpretation guidelines (Richards et al. 2015 PMID: 25741868, with internal and published modifications).

Labcorp Genetics (formerly Invitae), Labcorp
Classification: Likely benign for Charcot-Marie-Tooth disease dominant intermediate C. Last evaluated: 2023-08-17. Review status: criteria provided, single submitter. Criteria: Invitae Variant Classification Sherloc (09022015). Collection method: clinical testing. Allele origin: germline.

NM_003680.4(YARS1):c.681A>G (p.Glu227=)

Gene: YARS1 (tyrosyl-tRNA synthetase 1; minus strand). Cytogenetic location: 1p35.1.
Variant type: single nucleotide variant.
Coding change: c.681A>G on transcript NM_003680.4 (MANE Select); coding-DNA position 681, A replaced by G.
Protein change: p.Glu227=; no amino-acid change (glutamic acid 227 retained).
Molecular consequence: synonymous variant.
Genome position (GRCh38, 1-based): chr1:32,791,165, T>C on the plus strand (A>G on the coding strand, the complement: YARS1 is on the minus strand). VCF-style: chr1-32791165-T-C. GRCh37 (hg19) VCF-style: chr1-33256766-T-C.
Identifiers: ClinVar variation 700183 (VCV000700183.11), dbSNP rs370095798, ClinGen allele CA745141.